The following is an entry in ClinVar:

NM_001164508.2(NEB):c.12275T>G (p.Met4092Arg)

Gene: NEB (nebulin; minus strand). Cytogenetic location: 2q23.3.
Variant type: single nucleotide variant.
Coding change: c.12275T>G on transcript NM_001164508.2 (MANE Select); coding-DNA position 12275, T replaced by G.
Protein change: p.Met4092Arg; replaces methionine 4092 with arginine.
Molecular consequence: missense variant.
Genome position (GRCh38, 1-based): chr2:151,609,864, A>C on the plus strand (T>G on the coding strand, the complement: NEB is on the minus strand). VCF-style: chr2-151609864-A-C. GRCh37 (hg19) VCF-style: chr2-152466378-A-C.
Other names: c.12275T>G, p.Met4092Arg (NM_001164507.2, NM_001271208.2); c.11546T>G, p.Met3849Arg (NM_004543.5); short protein forms M4092R, M3849R.
Identifiers: ClinVar variation 2027016 (VCV002027016.4), dbSNP rs2552227145, ClinGen allele CA348776742.

ClinVar aggregate classification (germline): Uncertain significance (1 of 4 stars; one submission).

Conditions:
Nemaline myopathy 2 (NEM2). Also called: Nemaline myopathy 2, autosomal recessive. Identifiers: MedGen C1850569, MONDO:0009725, OMIM 256030.

Submission:

Labcorp Genetics (formerly Invitae), Labcorp
Classification: Uncertain significance for Nemaline myopathy 2. Last evaluated: 2022-11-08. Review status: criteria provided, single submitter. Criteria: Invitae Variant Classification Sherloc (09022015). Collection method: clinical testing. Allele origin: germline.
Comment: This sequence change replaces methionine, which is neutral and non-polar, with arginine, which is basic and polar, at codon 4092 of the NEB protein (p.Met4092Arg). In summary, the available evidence is currently insufficient to determine the role of this variant in disease. Therefore, it has been classified as a Variant of Uncertain Significance. Algorithms developed to predict the effect of missense changes on protein structure and function are either unavailable or do not agree on the potential impact of this missense change (SIFT: "Deleterious"; PolyPhen-2: "Not Available"; Align-GVGD: "Class C0"). This variant has not been reported in the literature in individuals affected with NEB-related conditions. This variant is not present in population databases (gnomAD no frequency).